The following is an entry in ClinVar:

NM_000081.4(LYST):c.7395G>A (p.Leu2465=)

Gene: LYST (lysosomal trafficking regulator; minus strand). Cytogenetic location: 1q42.3.
Variant type: single nucleotide variant.
Coding change: c.7395G>A on transcript NM_000081.4 (MANE Select); coding-DNA position 7395, G replaced by A.
Protein change: p.Leu2465=; no amino-acid change (leucine 2465 retained).
Molecular consequence: synonymous variant.
Genome position (GRCh38, 1-based): chr1:235,753,109, C>T on the plus strand (G>A on the coding strand, the complement: LYST is on the minus strand). VCF-style: chr1-235753109-C-T. GRCh37 (hg19) VCF-style: chr1-235916409-C-T.
Other names: p.Leu2465=; c.7395G>A, p.Leu2465= (NM_001301365.1).
Identifiers: ClinVar variation 1656856 (VCV001656856.10), dbSNP rs148611185, ClinGen allele CA1466147.

ClinVar aggregate classification (germline): Likely benign. Review status: criteria provided, multiple submitters, no conflicts (2 of 4 stars). 3 submissions from 3 submitters: Likely benign (3). Last evaluated 2025-12-06.

Conditions:
Chédiak-Higashi syndrome (CHS). Also called: Chediak-Higashi Syndrome. Identifiers: Orphanet 167, MedGen C0007965, MONDO:0008963, OMIM 214500.

Allele frequency attached by ClinVar (database versions not stated): TOPMed 0.00036; gnomAD 0.00037; ESP Exome Variant Server 0.00069; 1000 Genomes Project 30x 0.00109; 1000 Genomes Project 0.00140.
gnomAD v4.1: 117 of 1,609,210 alleles (0.0073%); highest among the groups gnomAD compares: African/African-American, 0.14%; no homozygotes.

Submissions (3):

Labcorp Genetics (formerly Invitae), Labcorp
Classification: Likely benign for Chédiak-Higashi syndrome. Last evaluated: 2025-12-06. Review status: criteria provided, single submitter. Criteria: Invitae Variant Classification Sherloc (09022015). Collection method: clinical testing. Allele origin: germline.

Mayo Clinic Laboratories, Mayo Clinic
Classification: Likely benign. Last evaluated: 2025-09-26. Review status: criteria provided, single submitter. Criteria: ACMG Guidelines, 2015. Collection method: clinical testing. Allele origin: germline. Observed: 1 variant allele.
Comment: BS1, BP4, BP7

Women's Health and Genetics/Laboratory Corporation of America, LabCorp
Classification: Likely benign. Last evaluated: 2025-07-23. Review status: criteria provided, single submitter. Criteria: LabCorp Variant Classification Summary - May 2015. Collection method: clinical testing. Allele origin: germline.